The following is an entry in ClinVar:

NM_001301071.2(DOK7):c.1623C>T (p.Val541=)

Gene: DOK7 (docking protein 7; plus strand). Cytogenetic location: 4p16.3.
Variant type: single nucleotide variant.
Coding change: c.1623C>T on transcript NM_001301071.2; coding-DNA position 1623, C replaced by T.
Protein change: p.Val541=; no amino-acid change (valine 541 retained).
Molecular consequence: synonymous variant.
Genome position (GRCh38, 1-based): chr4:3,500,333, C>T. VCF-style: chr4-3500333-C-T. GRCh37 (hg19) VCF-style: chr4-3502060-C-T.
Other names: c.1191C>T, p.Val397= (NM_001363811.2).
Identifiers: ClinVar variation 5039913 (VCV005039913.1).
Genomic context (GRCh38, chr4:3,500,333, plus strand): 5'-GGACAGCCCAGGACCAGAGAGGCCGCGCGGCGAGTCGCCCACTTACGTGAACATCCCCGT[C>T]AGCCCATCCTCCAGAAAGCAGCTGCACTACATGGGCCTGGAGCTCCAGGAGGCCAGCGAG-3'

ClinVar aggregate classification (germline): Likely benign (1 of 4 stars; one submission).

gnomAD v4.1: 2 of 1,535,966 alleles (0.00013%); highest among the groups gnomAD compares: Admixed American, 0.0039%; no homozygotes.

Submission:

CeGaT Center for Human Genetics Tuebingen
Classification: Likely benign. Last evaluated: 2026-08-01. Review status: criteria provided, single submitter. Criteria: CeGaT Center For Human Genetics Tuebingen Variant Classification Criteria Version 2. Collection method: clinical testing. Allele origin: germline. Affected: yes. Observed: 1 variant allele.
Comment: DOK7: BP4, BP7